The following is an entry in ClinVar:

ClinVar aggregate classification (germline): Uncertain significance (1 of 4 stars; one submission).

Submission:

GeneDx
Classification: Uncertain significance. Last evaluated: 2025-05-30. Review status: criteria provided, single submitter. Criteria: GeneDx Variant Classification Process June 2021. Collection method: clinical testing. Allele origin: germline. Affected: yes.
Comment: In silico analysis supports a deleterious effect on splicing; Has not been previously published as pathogenic or benign to our knowledge; No data available from control populations to assess the frequency of this variant; Located in a regulatory region; in the absence of functional studies, the actual effect of this sequence change is unknown

NM_001376571.1(MADD):c.-88-3T>G

Gene: MADD (MAP kinase activating death domain; plus strand). Cytogenetic location: 11p11.2.
Variant type: single nucleotide variant.
Coding change: c.-88-3T>G on transcript NM_001376571.1 (MANE Select); 3 bases into the intron before 88 bases upstream of the start codon, T replaced by G.
Molecular consequence: intron variant.
Genome position (GRCh38, 1-based): chr11:47,273,824, T>G. VCF-style: chr11-47273824-T-G. GRCh37 (hg19) VCF-style: chr11-47295375-T-G.
Other names: c.-88-3T>G (NM_001376651.1, NM_130470.3, NM_001376641.1 and 80 more transcripts); c.-142-739T>G (NM_001376648.1, NM_001376620.1, NM_001376626.1 and 9 more transcripts); c.-7-2075T>G (NM_001376663.1).
Identifiers: ClinVar variation 4532729 (VCV004532729.1).
Genomic context (GRCh38, chr11:47,273,824, plus strand): 5'-GTTGAGAGGGATGAGTCCCTTAGGCACAGCAGTGGATCTTATCAGTACTTTTTTTCCTAT[T>G]AGACTTCGATTTTCAGAATTCCTCCTGGGAATGCTGACTCCTTGCTTGGTGCCCTGATGC-3'